The following is an entry in ClinVar:

ClinVar aggregate classification (germline): Conflicting classifications of pathogenicity. Review status: criteria provided, conflicting classifications (1 of 4 stars). 4 submissions from 4 submitters: Uncertain significance (3); Likely benign (1). Last evaluated 2025-12-08.

Conditions:
Arrhythmogenic right ventricular dysplasia 13. Also called: ARRHYTHMOGENIC RIGHT VENTRICULAR CARDIOMYOPATHY 13; Arrhythmogenic right ventricular dysplasia, familial, 13. Identifiers: MedGen C3810138, MONDO:0000908, OMIM 615616.

Allele frequency attached by ClinVar (database versions not stated): gnomAD exomes 0.00009 and 0.00018; gnomAD 0.00010 and 0.00011; TOPMed 0.00010; ESP Exome Variant Server 0.00015.
gnomAD v4.1: 280 of 1,613,374 alleles (0.017%); highest among the groups gnomAD compares: Non-Finnish European, 0.022%; 1 homozygote.

Submissions (4):

Labcorp Genetics (formerly Invitae), Labcorp
Classification: Uncertain significance for Arrhythmogenic right ventricular dysplasia 13. Last evaluated: 2025-12-08. Review status: criteria provided, single submitter. Criteria: Invitae Variant Classification Sherloc (09022015). Collection method: clinical testing. Allele origin: germline.
Comment: This sequence change replaces glutamine, which is neutral and polar, with arginine, which is basic and polar, at codon 193 of the CTNNA3 protein (p.Gln193Arg). This variant is present in population databases (rs373233387, gnomAD 0.02%). This missense change has been observed in individual(s) with dilated cardiomyopathy (PMID: 30847666). ClinVar contains an entry for this variant (Variation ID: 240873). An algorithm developed to predict the effect of missense changes on protein structure and function (PolyPhen-2) suggests that this variant is likely to be tolerated. Algorithms developed to predict the effect of sequence changes on RNA splicing suggest that this variant may disrupt the consensus splice site. In summary, the available evidence is currently insufficient to determine the role of this variant in disease. Therefore, it has been classified as a Variant of Uncertain Significance.

Blueprint Genetics
Classification: Likely benign. Last evaluated: 2022-10-10. Review status: criteria provided, single submitter. Criteria: ACMG Guidelines, 2015. Collection method: clinical testing. Allele origin: germline.

Revvity Omics, Revvity
Classification: Uncertain significance for Arrhythmogenic right ventricular dysplasia 13. Last evaluated: 2022-03-08. Review status: criteria provided, single submitter. Criteria: ACMG Guidelines, 2015. Collection method: clinical testing. Allele origin: germline.

Breakthrough Genomics
Classification: Uncertain significance. Review status: criteria provided, single submitter. Criteria: ACMG Guidelines, 2015. Collection method: not provided. Allele origin: germline. Inheritance: Autosomal dominant inheritance. Affected: yes.

Literature cited by the submitters: PubMed 30847666 (cited by Labcorp Genetics (formerly Invitae), Labcorp).

NM_013266.4(CTNNA3):c.578A>G (p.Gln193Arg)

Gene: CTNNA3 (catenin alpha 3; minus strand). Cytogenetic location: 10q21.3.
Variant type: single nucleotide variant.
Coding change: c.578A>G on transcript NM_013266.4 (MANE Select); coding-DNA position 578, A replaced by G.
Protein change: p.Gln193Arg; replaces glutamine 193 with arginine.
Molecular consequence: missense variant.
Genome position (GRCh38, 1-based): chr10:67,521,843, T>C on the plus strand (A>G on the coding strand, the complement: CTNNA3 is on the minus strand). VCF-style: chr10-67521843-T-C. GRCh37 (hg19) VCF-style: chr10-69281601-T-C.
Other names: c.578A>G, p.Gln193Arg (NM_001127384.3); c.614A>G, p.Gln205Arg (NM_001291133.2); short protein forms Q193R, Q205R.
Identifiers: ClinVar variation 240873 (VCV000240873.13), dbSNP rs373233387, ClinGen allele CA5520579.